The following is an entry in ClinVar:

ClinVar aggregate classification (germline): Pathogenic (1 of 4 stars; one submission).

Conditions:
Familial hypocalciuric hypercalcemia (FHH). Also called: Familial benign hypercalcemia. Identifiers: Orphanet 405, MedGen C1809471, MONDO:0018458.
Autosomal dominant hypocalcemia 1 (HYPOC1). Also called: HYPOCALCEMIA, FAMILIAL. Identifiers: MedGen C3715128, MONDO:0011013, OMIM 601198.

Submission:

Labcorp Genetics (formerly Invitae), Labcorp
Classification: Pathogenic for Familial hypocalciuric hypercalcemia; Autosomal dominant hypocalcemia 1. Last evaluated: 2023-05-22. Review status: criteria provided, single submitter. Criteria: Invitae Variant Classification Sherloc (09022015). Collection method: clinical testing. Allele origin: germline.
Comment: For these reasons, this variant has been classified as Pathogenic. This variant disrupts a region of the CASR protein in which other variant(s) (p.Arg886Pro) have been determined to be pathogenic (PMID: 11807402, 17698911, 20798521). This suggests that this is a clinically significant region of the protein, and that variants that disrupt it are likely to be disease-causing. This variant has not been reported in the literature in individuals affected with CASR-related conditions. This variant is not present in population databases (gnomAD no frequency). This sequence change creates a premature translational stop signal (p.Ala840Profs*99) in the CASR gene. While this is not anticipated to result in nonsense mediated decay, it is expected to disrupt the last 239 amino acid(s) of the CASR protein.

Literature cited by the submitters: PubMed 11807402; PubMed 17698911; PubMed 20798521.

NM_000388.4(CASR):c.2518del (p.Ala840fs)

Gene: CASR (calcium sensing receptor; plus strand). Cytogenetic location: 3q21.1.
Variant type: Deletion.
Coding change: c.2518del on transcript NM_000388.4 (MANE Select); coding-DNA position 2518, one base deleted (G; older notation c.2518delG).
Protein change: p.Ala840fs; shifts the reading frame from alanine 840.
Molecular consequence: frameshift variant.
Genome position (GRCh38, 1-based): chr3:122,284,472, G deleted. VCF-style (leftmost placement, unchanged base first): chr3-122284471-TG-T. GRCh37 (hg19) VCF-style: chr3-122003318-TG-T.
Other names: c.2548del, p.Ala850fs (NM_001178065.2); short protein forms A840fs, A850fs.
Identifiers: ClinVar variation 2948107 (VCV002948107.3), dbSNP rs2473280480, ClinGen allele CA2740094575.